The following is an entry in ClinVar:

NM_152594.3(SPRED1):c.677A>C (p.Gln226Pro)

Gene: SPRED1 (sprouty related EVH1 domain containing 1; plus strand). Cytogenetic location: 15q14.
Variant type: single nucleotide variant.
Coding change: c.677A>C on transcript NM_152594.3 (MANE Select); coding-DNA position 677, A replaced by C.
Protein change: p.Gln226Pro; replaces glutamine 226 with proline.
Molecular consequence: missense variant.
Genome position (GRCh38, 1-based): chr15:38,349,516, A>C. VCF-style: chr15-38349516-A-C. GRCh37 (hg19) VCF-style: chr15-38641717-A-C.
Other names: c.677A>C (NM_152594.2); short protein forms Q226P.
Identifiers: ClinVar variation 1920338 (VCV001920338.6), dbSNP rs2542739466, ClinGen allele CA391932977.
Genomic context (GRCh38, chr15:38,349,516, plus strand): 5'-GCAGAAGTATGGAATACGTACAGCGGCAAATATCCAAGGAATGTGGAAGCCTAAAGTCCC[A>C]AAATAGGGTAAGTAATGTTAGTTTATCTTGTGATATGGAATTTAACTAATTAATAGATAG-3'
Protein context (NP_689807.1, residues 216-236): ISKECGSLKS[Gln226Pro]NRVPLKSIRH

ClinVar aggregate classification (germline): Uncertain significance. Review status: criteria provided, multiple submitters, no conflicts (2 of 4 stars). 2 submissions from 2 submitters: Uncertain significance (2). Last evaluated 2026-08-23.

Conditions:
Cardiovascular phenotype. Identifiers: MedGen CN230736.
Legius syndrome. Identifiers: Orphanet 137605, MedGen C1969623, MONDO:0012669, OMIM 611431. Disease mechanism: loss of function.

Submissions (2):

Ambry Genetics
Classification: Uncertain significance for Cardiovascular phenotype. Last evaluated: 2026-08-23. Review status: criteria provided, single submitter. Criteria: Ambry Variant Classification Scheme 2023. Collection method: clinical testing. Allele origin: germline.
Comment: The p.Q226P variant (also known as c.677A>C), located in coding exon 6 of the SPRED1 gene, results from an A to C substitution at nucleotide position 677. The glutamine at codon 226 is replaced by proline, an amino acid with similar properties. This amino acid position is conserved. In addition, this alteration is predicted to be tolerated by in silico analysis. Based on the available evidence, the clinical significance of this variant remains unclear.

Labcorp Genetics (formerly Invitae), Labcorp
Classification: Uncertain significance for Legius syndrome. Last evaluated: 2025-05-25. Review status: criteria provided, single submitter. Criteria: Invitae Variant Classification Sherloc (09022015). Collection method: clinical testing. Allele origin: germline.
Comment: This sequence change replaces glutamine, which is neutral and polar, with proline, which is neutral and non-polar, at codon 226 of the SPRED1 protein (p.Gln226Pro). This variant is not present in population databases (gnomAD no frequency). This variant has not been reported in the literature in individuals affected with SPRED1-related conditions. ClinVar contains an entry for this variant (Variation ID: 1920338). Invitae Evidence Modeling of protein sequence and biophysical properties (such as structural, functional, and spatial information, amino acid conservation, physicochemical variation, residue mobility, and thermodynamic stability) indicates that this missense variant is not expected to disrupt SPRED1 protein function with a negative predictive value of 80%. In summary, the available evidence is currently insufficient to determine the role of this variant in disease. Therefore, it has been classified as a Variant of Uncertain Significance.